The following is an entry in ClinVar:

NM_006059.4(LAMC3):c.2986C>T (p.Arg996Cys)

Gene: LAMC3 (laminin subunit gamma 3; plus strand). Cytogenetic location: 9q34.12.
Variant type: single nucleotide variant.
Coding change: c.2986C>T on transcript NM_006059.4 (MANE Select); coding-DNA position 2986, C replaced by T.
Protein change: p.Arg996Cys; replaces arginine 996 with cysteine.
Molecular consequence: missense variant.
Genome position (GRCh38, 1-based): chr9:131,069,767, C>T. VCF-style: chr9-131069767-C-T. GRCh37 (hg19) VCF-style: chr9-133945154-C-T.
Other names: short protein forms R996C.
Identifiers: ClinVar variation 975586 (VCV000975586.32), dbSNP rs144084540, ClinGen allele CA5287638.

ClinVar aggregate classification (germline): Uncertain significance. Review status: criteria provided, multiple submitters, no conflicts (2 of 4 stars). 4 submissions from 4 submitters: Uncertain significance (3). 1 of the submissions does not count toward it. Last evaluated 2025-01-24.

Conditions:
Inborn genetic diseases. Identifiers: MedGen C0950123, MeSH D030342.
Intellectual disability. Also called: Intellectual developmental disorder; intellectual disabilities; Intellectual functioning disability. Identifiers: MedGen C3714756, MeSH D008607, MONDO:0001071, HP:0001249.

Allele frequency attached by ClinVar (database versions not stated): gnomAD 0.00006; TOPMed 0.00009; ESP Exome Variant Server 0.00023.
gnomAD v4.1: 145 of 1,596,050 alleles (0.0091%); highest among the groups gnomAD compares: Admixed American, 0.019%; no homozygotes.

Submissions (4):

Ambry Genetics
Classification: Uncertain significance for Inborn genetic diseases. Last evaluated: 2025-01-24. Review status: criteria provided, single submitter. Criteria: Ambry Variant Classification Scheme 2023. Collection method: clinical testing. Allele origin: germline.

Labcorp Genetics (formerly Invitae), Labcorp
Classification: Uncertain significance. Last evaluated: 2024-10-21. Review status: criteria provided, single submitter. Criteria: Invitae Variant Classification Sherloc (09022015). Collection method: clinical testing. Allele origin: germline.
Comment: This sequence change replaces arginine, which is basic and polar, with cysteine, which is neutral and slightly polar, at codon 996 of the LAMC3 protein (p.Arg996Cys). This variant is present in population databases (rs144084540, gnomAD 0.03%). This variant has not been reported in the literature in individuals affected with LAMC3-related conditions. ClinVar contains an entry for this variant (Variation ID: 975586). An algorithm developed to predict the effect of missense changes on protein structure and function (PolyPhen-2) suggests that this variant is likely to be disruptive. In summary, the available evidence is currently insufficient to determine the role of this variant in disease. Therefore, it has been classified as a Variant of Uncertain Significance.

CeGaT Center for Human Genetics Tuebingen
Classification: Uncertain significance. Last evaluated: 2022-10-01. Review status: criteria provided, single submitter. Criteria: CeGaT Center For Human Genetics Tuebingen Variant Classification Criteria Version 2. Collection method: clinical testing. Allele origin: germline. Affected: yes. Observed: 1 variant allele.
Comment: LAMC3: PM2:Supporting

Centre de Biologie Pathologie Génétique, Centre Hospitalier Universitaire de Lille
Classification: Likely benign for Intellectual disability. Last evaluated: 2019-01-01. Review status: no assertion criteria provided. Collection method: clinical testing. Allele origin: inherited. Affected: yes. Not counted in ClinVar's aggregate classification.